The following is an entry in ClinVar:

ClinVar aggregate classification (germline): Benign/Likely benign. Review status: criteria provided, multiple submitters, no conflicts (2 of 4 stars). 4 submissions from 4 submitters: Benign (1); Likely benign (3). Last evaluated 2026-01-18.

Allele frequency attached by ClinVar (database versions not stated): gnomAD exomes 0.00004 and 0.00022; gnomAD 0.00006 and 0.00007; TOPMed 0.00017; ExAC 0.00030.
gnomAD v4.1: 72 of 1,572,842 alleles (0.0046%); highest among the groups gnomAD compares: Admixed American, 0.12%; no homozygotes.

Submissions (4):

Labcorp Genetics (formerly Invitae), Labcorp
Classification: Likely benign. Last evaluated: 2026-01-18. Review status: criteria provided, single submitter. Criteria: Invitae Variant Classification Sherloc (09022015). Collection method: clinical testing. Allele origin: germline.

Ambry Genetics
Classification: Likely benign. Last evaluated: 2022-08-16. Review status: criteria provided, single submitter. Criteria: Ambry Variant Classification Scheme 2023. Collection method: clinical testing. Allele origin: germline.

GeneDx
Classification: Benign. Last evaluated: 2021-05-06. Review status: criteria provided, single submitter. Criteria: GeneDx Variant Classification Process June 2021. Collection method: clinical testing. Allele origin: germline. Affected: yes.

Women's Health and Genetics/Laboratory Corporation of America, LabCorp
Classification: Likely benign. Last evaluated: 2020-10-08. Review status: criteria provided, single submitter. Criteria: LabCorp Variant Classification Summary - May 2015. Collection method: clinical testing. Allele origin: germline.
Comment: Variant summary: RASA2 c.1942G>A (p.Ala648Thr) results in a non-conservative amino acid change located in the Pleckstrin homology domain (IPR001849) of the encoded protein sequence. Four of five in-silico tools predict a damaging effect of the variant on protein function. The variant allele was found at a frequency of 0.00022 in 216938 control chromosomes, predominantly at a frequency of 0.0018 within the Latino subpopulation in the gnomAD database. The observed variant frequency within Latino control individuals in the gnomAD database is approximately 360-fold the estimated maximal expected allele frequency for a pathogenic variant in RASA2 causing Noonan Syndrome phenotype (5e-06), strongly suggesting that the variant is a benign polymorphism found primarily in populations of Latino origin. To our knowledge, no occurrence of c.1942G>A in individuals affected with Noonan Syndrome and no experimental evidence demonstrating its impact on protein function have been reported. One other clinical diagnostic laboratory has submitted clinical-significance assessments for this variant to ClinVar after 2014, citing the variant as likely benign. Based on the evidence outlined above, the variant was classified as likely benign.

NM_006506.5(RASA2):c.1942G>A (p.Ala648Thr)

Gene: RASA2 (RAS p21 protein activator 2; plus strand). Cytogenetic location: 3q23.
Variant type: single nucleotide variant.
Coding change: c.1942G>A on transcript NM_006506.5 (MANE Select); coding-DNA position 1942, G replaced by A.
Protein change: p.Ala648Thr; replaces alanine 648 with threonine.
Molecular consequence: missense variant.
Genome position (GRCh38, 1-based): chr3:141,607,686, G>A. VCF-style: chr3-141607686-G-A. GRCh37 (hg19) VCF-style: chr3-141326528-G-A.
Other names: c.1945G>A, p.Ala649Thr (NM_001303245.3); c.1954G>A, p.Ala652Thr (NM_001303246.3); short protein forms A649T, A652T, A648T.
Identifiers: ClinVar variation 705370 (VCV000705370.12), dbSNP rs769395361, ClinGen allele CA2645691.